The following is an entry in ClinVar:

ClinVar aggregate classification (germline): Uncertain significance (1 of 4 stars; one submission).

Conditions:
GM1 gangliosidosis. Identifiers: Orphanet 354, MedGen C0085131, MONDO:0018149.
Mucopolysaccharidosis, MPS-IV-B (MPS4B). Also called: MORQUIO SYNDROME B; Mucopolysaccharidosis Type IVB (Morquio B Disease); Mucopolysaccharidosis type IV B; Mucopolysaccharidosis Type IVB; Mucopolysaccharidosis type 4B; Mucopolysaccharidosis type IVB (Morquio). Identifiers: Orphanet 309310, Orphanet 582, MedGen C0086652, MONDO:0009660, OMIM 253010.

Allele frequency attached by ClinVar (database versions not stated): gnomAD exomes 0.00001.
gnomAD v4.1: 8 of 1,614,084 alleles (0.0005%); highest among the groups gnomAD compares: Non-Finnish European, 0.00068%; no homozygotes.

Submission:

Labcorp Genetics (formerly Invitae), Labcorp
Classification: Uncertain significance for Mucopolysaccharidosis, MPS-IV-B; GM1 gangliosidosis. Last evaluated: 2022-03-11. Review status: criteria provided, single submitter. Criteria: Invitae Variant Classification Sherloc (09022015). Collection method: clinical testing. Allele origin: germline.
Comment: This sequence change replaces proline, which is neutral and non-polar, with serine, which is neutral and polar, at codon 664 of the GLB1 protein (p.Pro664Ser). This variant is not present in population databases (gnomAD no frequency). This variant has not been reported in the literature in individuals affected with GLB1-related conditions. Advanced modeling of protein sequence and biophysical properties (such as structural, functional, and spatial information, amino acid conservation, physicochemical variation, residue mobility, and thermodynamic stability) performed at Invitae indicates that this missense variant is not expected to disrupt GLB1 protein function. In summary, the available evidence is currently insufficient to determine the role of this variant in disease. Therefore, it has been classified as a Variant of Uncertain Significance.

NM_000404.4(GLB1):c.1990C>T (p.Pro664Ser)

Gene: GLB1 (galactosidase beta 1; minus strand). Cytogenetic location: 3p22.3.
Variant type: single nucleotide variant.
Coding change: c.1990C>T on transcript NM_000404.4 (MANE Select); coding-DNA position 1990, C replaced by T.
Protein change: p.Pro664Ser; replaces proline 664 with serine.
Molecular consequence: missense variant. On other transcripts: intron variant (1).
Genome position (GRCh38, 1-based): chr3:32,997,089, G>A on the plus strand (C>T on the coding strand, the complement: GLB1 is on the minus strand). VCF-style: chr3-32997089-G-A. GRCh37 (hg19) VCF-style: chr3-33038581-G-A.
Other names: c.1900C>T, p.Pro634Ser (NM_001079811.3); c.1597C>T, p.Pro533Ser (NM_001135602.3); c.2134C>T, p.Pro712Ser (NM_001317040.2); c.1734+16967C>T (NM_001393580.1); short protein forms P634S, P533S, P664S, P712S.
Identifiers: ClinVar variation 2069213 (VCV002069213.1), dbSNP rs2471198470, ClinGen allele CA351999969.